The following is an entry in ClinVar:

ClinVar aggregate classification (germline): Uncertain significance (1 of 4 stars; one submission).

Submission:

Labcorp Genetics (formerly Invitae), Labcorp
Classification: Uncertain significance. Last evaluated: 2022-10-24. Review status: criteria provided, single submitter. Criteria: Invitae Variant Classification Sherloc (09022015). Collection method: clinical testing. Allele origin: germline.
Comment: A copy number gain of the genomic region encompassing the full coding sequence of the AHR gene has been identified. The boundaries of this event are unknown as they extend beyond the assayed region for this gene and therefore may encompass additional genes. As the precise location of this event is unknown, it may be in tandem or it may be located elsewhere in the genome. This variant has not been reported in the literature in individuals affected with AHR-related conditions. In summary, the available evidence is currently insufficient to determine the role of this variant in disease. Therefore, it has been classified as a Variant of Uncertain Significance.

NC_000007.14:g.(?_17299265)_(17343064_?)dup

Gene: AHR (aryl hydrocarbon receptor; plus strand). Cytogenetic location: 7p21.1.
Variant type: Duplication.
Identifiers: ClinVar variation 830702 (VCV000830702.5).